The following is an entry in ClinVar:

ClinVar aggregate classification (germline): Likely benign. Review status: criteria provided, single submitter (1 of 4 stars). 2 submissions from 2 submitters: Likely benign (1). 1 of the submissions does not count toward it. Last evaluated 2025-11-07.

Conditions:
ALDOA-related disorder. Also called: ALDOA-related condition.
HNSHA due to aldolase A deficiency (GSD12). Also called: GLYCOGEN STORAGE DISEASE XII; Glycogen storage disease due to aldolase A deficiency; GSD XII; RED CELL ALDOLASE DEFICIENCY. Identifiers: Orphanet 57, MedGen C0272066, MONDO:0012747, OMIM 611881.

Allele frequency attached by ClinVar (database versions not stated): gnomAD 0.00006; gnomAD exomes 0.00006; TOPMed 0.00007; ExAC 0.00008; ESP Exome Variant Server 0.00008.
gnomAD v4.1: 126 of 1,613,702 alleles (0.0078%); highest among the groups gnomAD compares: East Asian, 0.23%; 2 homozygotes.

Submissions (5):

Labcorp Genetics (formerly Invitae), Labcorp
Classification: Likely benign for HNSHA due to aldolase A deficiency. Last evaluated: 2025-11-07. Review status: criteria provided, single submitter. Criteria: Invitae Variant Classification Sherloc (09022015). Collection method: clinical testing. Allele origin: germline.

PreventionGenetics, part of Exact Sciences
Classification: Likely benign for ALDOA-related condition. Last evaluated: 2019-04-01. Review status: no assertion criteria provided. Collection method: clinical testing. Allele origin: germline. Not counted in ClinVar's aggregate classification.
Comment: This variant is classified as likely benign based on ACMG/AMP sequence variant interpretation guidelines (Richards et al. 2015 PMID: 25741868, with internal and published modifications).

Dr. Peter K. Rogan Lab, Western University
No classification provided (evidence only). Condition: Melanoma. Review status: no classification provided. Collection method: in vitro. Allele origin: not applicable. Functional consequence: retained intron. Not counted in ClinVar's aggregate classification.

Dr. Peter K. Rogan Lab, Western University
No classification provided (evidence only). Condition: Sarcoma. Review status: no classification provided. Collection method: in vitro. Allele origin: not applicable. Functional consequence: retained intron. Not counted in ClinVar's aggregate classification.

Dr. Peter K. Rogan Lab, Western University
No classification provided (evidence only). Condition: Gastric cancer. Review status: no classification provided. Collection method: in vitro. Allele origin: not applicable. Functional consequence: retained intron. Not counted in ClinVar's aggregate classification.

NM_001243177.4(ALDOA):c.1107C>T (p.Gly369=)

Genes: ALDOA (aldolase, fructose-bisphosphate A; plus strand), LOC112694756 (uncharaterized LOC112694756; plus strand). Cytogenetic location: 16p11.2.
Variant type: single nucleotide variant.
Coding change: c.1107C>T on transcript NM_001243177.4 (MANE Select); coding-DNA position 1107, C replaced by T.
Protein change: p.Gly369=; no amino-acid change (glycine 369 retained).
Molecular consequence: synonymous variant. On other transcripts: 3 prime UTR variant (3).
Genome position (GRCh38, 1-based): chr16:30,069,975, C>T. VCF-style: chr16-30069975-C-T. GRCh37 (hg19) VCF-style: chr16-30081296-C-T.
Other names: c.*1454C>T (NM_001365304.2, NM_001365305.2, NM_001365307.2); c.945C>T, p.Gly315= (NM_001127617.2, NM_184041.5, NM_184043.2).
Identifiers: ClinVar variation 318836 (VCV000318836.11), dbSNP rs142315181, ClinGen allele CA8001202.